The following is an entry in ClinVar:

NM_005198.5(CHKB):c.1129C>T (p.Arg377Trp)

Genes: CHKB-CPT1B (CHKB-CPT1B readthrough (NMD candidate); minus strand), CHKB (choline kinase beta; minus strand). Cytogenetic location: 22q13.33.
Variant type: single nucleotide variant.
Coding change: c.1129C>T on transcript NM_005198.5 (MANE Select); coding-DNA position 1129, C replaced by T.
Protein change: p.Arg377Trp; replaces arginine 377 with tryptophan.
Molecular consequence: missense variant. On other transcripts: non-coding transcript variant (1).
Genome position (GRCh38, 1-based): chr22:50,579,240, G>A on the plus strand (C>T on the coding strand, the complement: CHKB is on the minus strand). VCF-style: chr22-50579240-G-A. GRCh37 (hg19) VCF-style: chr22-51017669-G-A.
Other names: short protein forms R377W.
Identifiers: ClinVar variation 689474 (VCV000689474.8), dbSNP rs766848672, ClinGen allele CA10323467.

ClinVar aggregate classification (germline): Uncertain significance. Review status: criteria provided, single submitter (1 of 4 stars). 3 submissions from 3 submitters: Uncertain significance (1). 2 of the submissions do not count toward it. Last evaluated 2025-11-12.

Conditions:
Megaconial type congenital muscular dystrophy (MDCMC). Also called: MUSCULAR DYSTROPHY, CONGENITAL, WITH MITOCHONDRIAL STRUCTURAL ABNORMALITIES; CHKB-Related Muscle Diseases; CHKB-Related Muscular Dystrophy. Identifiers: Orphanet 280671, MedGen C1865233, MONDO:0011246, OMIM 602541.

Allele frequency attached by ClinVar (database versions not stated): ExAC 0.00001.
gnomAD v4.1: 5 of 1,613,772 alleles (0.00031%); highest among the groups gnomAD compares: African/African-American, 0.0027%; no homozygotes.

Submissions (3):

GeneDx
Classification: Uncertain significance. Last evaluated: 2025-11-12. Review status: criteria provided, single submitter. Criteria: GeneDx Variant Classification Process June 2021. Collection method: clinical testing. Allele origin: germline.
Comment: In silico analysis supports that this missense variant has a deleterious effect on protein structure/function; Not observed at significant frequency in large population cohorts (gnomAD); This variant is associated with the following publications: (PMID: Daneshjoo202[Article])

Myelin Disorders Clinic-Children's Medical Center/Medical Genetics Lab-Tarbiat Modares University, Children's Medical Center, Pediatrics Center of Excellence,
Classification: Uncertain significance for Megaconial type congenital muscular dystrophy. Last evaluated: 2019-08-29. Review status: no assertion criteria provided. Collection method: clinical testing. Allele origin: inherited. Inheritance: Autosomal recessive inheritance. Affected: yes. Observed: 1 homozygote. Not counted in ClinVar's aggregate classification.

Biologia e Medicina Molecolare, Sapienza University of Rome
Classification: Pathogenic for Megaconial type congenital muscular dystrophy. Last evaluated: 2016-11-17. Review status: no assertion criteria provided. Collection method: case-control. Allele origin: germline. Inheritance: Autosomal recessive inheritance. Affected: yes. Not counted in ClinVar's aggregate classification.

Literature cited by the submitters: DOI 10.1016/j.mgene.2020.100698 (cited by Biologia e Medicina Molecolare, Sapienza University of Rome).